The following is an entry in ClinVar:

NM_005502.4(ABCA1):c.1510-2A>C

Gene: ABCA1 (ATP binding cassette subfamily A member 1; minus strand). Cytogenetic location: 9q31.1.
Variant type: single nucleotide variant.
Coding change: c.1510-2A>C on transcript NM_005502.4 (MANE Select); the canonical splice acceptor site of the intron before coding-DNA position 1510, A replaced by C.
Molecular consequence: splice acceptor variant.
Genome position (GRCh38, 1-based): chr9:104,831,829, T>G on the plus strand (A>C on the coding strand, the complement: ABCA1 is on the minus strand). VCF-style: chr9-104831829-T-G. GRCh37 (hg19) VCF-style: chr9-107594110-T-G.
Identifiers: ClinVar variation 2806056 (VCV002806056.3), dbSNP rs1030888252, ClinGen allele CA197397078.

ClinVar aggregate classification (germline): Pathogenic (1 of 4 stars; one submission).

Submission:

Labcorp Genetics (formerly Invitae), Labcorp
Classification: Pathogenic. Last evaluated: 2023-11-08. Review status: criteria provided, single submitter. Criteria: Invitae Variant Classification Sherloc (09022015). Collection method: clinical testing. Allele origin: germline.
Comment: This sequence change affects an acceptor splice site in intron 12 of the ABCA1 gene. It is expected to disrupt RNA splicing. Variants that disrupt the donor or acceptor splice site typically lead to a loss of protein function (PMID: 16199547), and loss-of-function variants in ABCA1 are known to be pathogenic (PMID: 10525055, 10760292, 20880529). This variant is not present in population databases (gnomAD no frequency). Disruption of this splice site has been observed in individuals with clinical features of autosomal recessive Tangier disease (PMID: 30503498; Invitae). Algorithms developed to predict the effect of sequence changes on RNA splicing suggest that this variant may disrupt the consensus splice site. For these reasons, this variant has been classified as Pathogenic.

Literature cited by the submitters: PubMed 16199547; PubMed 10525055; PubMed 10760292; PubMed 20880529; PubMed 30503498.